The following is an entry in ClinVar:

NM_000455.5(STK11):c.1195C>A (p.Gln399Lys)

Gene: STK11 (serine/threonine kinase 11; plus strand). Cytogenetic location: 19p13.3.
Variant type: single nucleotide variant.
Coding change: c.1195C>A on transcript NM_000455.5 (MANE Select); coding-DNA position 1195, C replaced by A.
Protein change: p.Gln399Lys; replaces glutamine 399 with lysine.
Molecular consequence: missense variant.
Genome position (GRCh38, 1-based): chr19:1,226,540, C>A. VCF-style: chr19-1226540-C-A. GRCh37 (hg19) VCF-style: chr19-1226539-C-A.
Other names: short protein forms Q399K.
Identifiers: ClinVar variation 403791 (VCV000403791.26), dbSNP rs1060499968, ClinGen allele CA16616036.
Genomic context (GRCh38, chr19:1,226,540, plus strand): 5'-CACAATGGACAGCGCCGGGGCCTCCCCAAGGCCGTGTGTATGAACGGCACAGAGGCGGCG[C>A]AGCTGAGCACCAAATCCAGGGCGGAGGGCCGGGCCCCCAACCCTGCCCGCAAGGCCTGCT-3'
Protein context (NP_000446.1, residues 389-409): AVCMNGTEAA[Gln399Lys]LSTKSRAEGR

ClinVar aggregate classification (germline): Conflicting classifications of pathogenicity. Review status: criteria provided, conflicting classifications (1 of 4 stars). 7 submissions from 7 submitters: Uncertain significance (5); Benign (1); Likely benign (1). Last evaluated 2026-03-19.

Conditions:
Malignant tumor of testis. Also called: Testicular cancer. Identifiers: MedGen C0153594, MONDO:0005447.
Carcinoma of pancreas. Also called: PANCREATIC ACINAR CARCINOMA; PANCREATIC CARCINOMA; Pancreatic carcinoma, somatic; Exocrine pancreatic carcinoma; Pancreatic cancer, somatic. Identifiers: Orphanet 1333, Orphanet 217074, MedGen C0235974, MONDO:0005192. Disease mechanism: loss of function.
Peutz-Jeghers syndrome (PJS). Also called: POLYPOSIS, HAMARTOMATOUS INTESTINAL; POLYPS-AND-SPOTS SYNDROME; Peutz-Jeghers polyposis; Periorificial lentiginosis syndrome. Identifiers: Orphanet 2869, MedGen C0031269, MeSH D010580, MONDO:0008280, OMIM 175200.
Hereditary cancer-predisposing syndrome. Also called: Hereditary Cancer Syndrome; Tumor predisposition; Hereditary neoplastic syndrome; Neoplastic Syndromes, Hereditary. Identifiers: Orphanet 140162, MedGen C0027672, MeSH D009386, MONDO:0015356.

Allele frequency attached by ClinVar (database versions not stated): gnomAD exomes 0.00001; TOPMed 0.00001.
gnomAD v4.1: 40 of 1,605,180 alleles (0.0025%); highest among the groups gnomAD compares: Non-Finnish European, 0.0032%; no homozygotes.

Submissions (7):

Ambry Genetics
Classification: Likely benign for Hereditary cancer-predisposing syndrome. Last evaluated: 2026-03-19. Review status: criteria provided, single submitter. Criteria: Ambry Variant Classification Scheme 2023. Collection method: clinical testing. Allele origin: germline.

Labcorp Genetics (formerly Invitae), Labcorp
Classification: Benign for Peutz-Jeghers syndrome. Last evaluated: 2025-06-18. Review status: criteria provided, single submitter. Criteria: Invitae Variant Classification Sherloc (09022015). Collection method: clinical testing. Allele origin: germline.

All of Us Research Program, National Institutes of Health
Classification: Uncertain significance for Peutz-Jeghers syndrome. Last evaluated: 2024-06-09. Review status: criteria provided, single submitter. Criteria: ACMG Guidelines, 2015. Collection method: clinical testing. Allele origin: germline. Inheritance: Autosomal dominant inheritance. Observed: 2 variant alleles, 2 heterozygotes.
Comment: This missense variant replaces glutamine with lysine at codon 399 of the STK11 protein. Computational prediction suggests that this variant may not impact protein structure and function (internally defined REVEL score threshold <= 0.5, PMID: 27666373). To our knowledge, functional studies have not been reported for this variant. This variant has not been reported in individuals affected with STK11-related disorders in the literature. This variant has been identified in 3/227502 chromosomes in the general population by the Genome Aggregation Database (gnomAD). The available evidence is insufficient to determine the role of this variant in disease conclusively. Therefore, this variant is classified as a Variant of Uncertain Significance.

This study involves interpretation of variants in research participants for the purpose of population health screening. Participant phenotype was not available at the time of variant classification. Additional details can be found in publication PMID: 35346344, PMCID: PMC8962531

Color Diagnostics, LLC DBA Color Health
Classification: Uncertain significance for Hereditary cancer-predisposing syndrome. Last evaluated: 2024-03-06. Review status: criteria provided, single submitter. Criteria: ACMG Guidelines, 2015. Collection method: clinical testing. Allele origin: germline.
Comment: This missense variant replaces glutamine with lysine at codon 399 of the STK11 protein. Computational prediction suggests that this variant may not impact protein structure and function (internally defined REVEL score threshold <= 0.5, PMID: 27666373). To our knowledge, functional studies have not been reported for this variant. This variant has not been reported in individuals affected with STK11-related disorders in the literature. This variant has been identified in 3/227502 chromosomes in the general population by the Genome Aggregation Database (gnomAD). The available evidence is insufficient to determine the role of this variant in disease conclusively. Therefore, this variant is classified as a Variant of Uncertain Significance.

GeneDx
Classification: Uncertain significance. Last evaluated: 2024-01-03. Review status: criteria provided, single submitter. Criteria: GeneDx Variant Classification Process June 2021. Collection method: clinical testing. Allele origin: germline. Affected: yes.
Comment: Not observed at significant frequency in large population cohorts (gnomAD); In silico analysis supports that this missense variant does not alter protein structure/function; Has not been previously published as pathogenic or benign to our knowledge; This variant is associated with the following publications: (PMID: 28900777)

Genome-Nilou Lab
Classification: Uncertain significance for Peutz-Jeghers syndrome. Last evaluated: 2021-07-15. Review status: criteria provided, single submitter. Criteria: ACMG Guidelines, 2015. Collection method: clinical testing. Allele origin: germline. Affected: no.

Fulgent Genetics
Classification: Uncertain significance for Peutz-Jeghers syndrome; Familial pancreatic carcinoma; Germ cell tumor of testis. Last evaluated: 2018-10-31. Review status: criteria provided, single submitter. Criteria: ACMG Guidelines, 2015. Collection method: clinical testing. Allele origin: unknown.